The following is an entry in ClinVar:

NM_201384.3(PLEC):c.7925C>A (p.Pro2642Gln)

Gene: PLEC (plectin; minus strand). Cytogenetic location: 8q24.3.
Variant type: single nucleotide variant.
Coding change: c.7925C>A on transcript NM_201384.3 (MANE Select); coding-DNA position 7925, C replaced by A.
Protein change: p.Pro2642Gln; replaces proline 2642 with glutamine.
Molecular consequence: missense variant.
Genome position (GRCh38, 1-based): chr8:143,921,896, G>T on the plus strand (C>A on the coding strand, the complement: PLEC is on the minus strand). VCF-style: chr8-143921896-G-T. GRCh37 (hg19) VCF-style: chr8-144996064-G-T.
Other names: c.8006C>A, p.Pro2669Gln (NM_000445.5); c.7883C>A, p.Pro2628Gln (NM_201378.4); c.7859C>A, p.Pro2620Gln (NM_201379.3); c.8336C>A, p.Pro2779Gln (NM_201380.4); c.7829C>A, p.Pro2610Gln (NM_201381.3); c.7925C>A, p.Pro2642Gln (NM_201382.4); c.7937C>A, p.Pro2646Gln (NM_201383.3); c.8006C>A (NM_000445.3); short protein forms P2620Q, P2610Q, P2669Q, P2642Q, P2779Q, P2628Q, P2646Q.
Identifiers: ClinVar variation 538925 (VCV000538925.8), dbSNP rs782183501, ClinGen allele CA4925478.

ClinVar aggregate classification (germline): Uncertain significance. Review status: criteria provided, multiple submitters, no conflicts (2 of 4 stars). 2 submissions from 2 submitters: Uncertain significance (2). Last evaluated 2025-03-07.

Conditions:
Inborn genetic diseases. Identifiers: MedGen C0950123, MeSH D030342.
Epidermolysis bullosa simplex with nail dystrophy (EBS5D). Identifiers: MedGen C4225309, MONDO:0014661, OMIM 616487.
Epidermolysis bullosa simplex 5B, with muscular dystrophy (EBS5B). Also called: EPIDERMOLYSIS BULLOSA SIMPLEX AND LIMB-GIRDLE MUSCULAR DYSTROPHY; Epidermolysis bullosa simplex with muscular dystrophy. Identifiers: Orphanet 257, MedGen C2931072, MONDO:0009181, OMIM 226670.
Epidermolysis bullosa simplex, Ogna type (EBS5A). Also called: Pidermolysis bullosa simplex 5A, Ogna type; EPIDERMOLYSIS BULLOSA SIMPLEX 5A, OGNA TYPE. Identifiers: Orphanet 79401, MedGen C0432317, MONDO:0007555, OMIM 131950.
Autosomal recessive limb-girdle muscular dystrophy type 2Q (LGMDR17). Also called: MUSCULAR DYSTROPHY, LIMB-GIRDLE, AUTOSOMAL RECESSIVE 17. Identifiers: Orphanet 254361, MedGen C3150989, MONDO:0013390, OMIM 613723.
Epidermolysis bullosa simplex 5C, with pyloric atresia (EBS5C). Also called: PLEC-Related Epidermolysis Bullosa with Pyloric Atresia; Epidermolysis bullosa simplex with pyloric atresia; PLEC1-Related Epidermolysis Bullosa with Pyloric Atresia. Identifiers: Orphanet 158684, MedGen C2677349, MONDO:0012807, OMIM 612138.

Allele frequency attached by ClinVar (database versions not stated): ExAC 0.00001; gnomAD exomes 0.00001; TOPMed 0.00001.
gnomAD v4.1: 4 of 1,600,482 alleles (0.00025%); highest among the groups gnomAD compares: Admixed American, 0.0067%; no homozygotes.

Submissions (2):

Ambry Genetics
Classification: Uncertain significance for Inborn genetic diseases. Last evaluated: 2025-03-07. Review status: criteria provided, single submitter. Criteria: Ambry Variant Classification Scheme 2023. Collection method: clinical testing. Allele origin: germline.

Labcorp Genetics (formerly Invitae), Labcorp
Classification: Uncertain significance for Autosomal recessive limb-girdle muscular dystrophy type 2Q; Epidermolysis bullosa simplex, Ogna type; Epidermolysis bullosa simplex with nail dystrophy; Epidermolysis bullosa simplex 5C, with pyloric atresia; Epidermolysis bullosa simplex 5B, with muscular dystrophy. Last evaluated: 2024-10-15. Review status: criteria provided, single submitter. Criteria: Invitae Variant Classification Sherloc (09022015). Collection method: clinical testing. Allele origin: germline.
Comment: This sequence change replaces proline, which is neutral and non-polar, with glutamine, which is neutral and polar, at codon 2669 of the PLEC protein (p.Pro2669Gln). This variant is present in population databases (rs782183501, gnomAD 0.006%). This variant has not been reported in the literature in individuals affected with PLEC-related conditions. ClinVar contains an entry for this variant (Variation ID: 538925). Invitae Evidence Modeling of protein sequence and biophysical properties (such as structural, functional, and spatial information, amino acid conservation, physicochemical variation, residue mobility, and thermodynamic stability) indicates that this missense variant is not expected to disrupt PLEC protein function with a negative predictive value of 80%. In summary, the available evidence is currently insufficient to determine the role of this variant in disease. Therefore, it has been classified as a Variant of Uncertain Significance.